The following is an entry in ClinVar:

NM_001042750.2(STAG2):c.3491C>T (p.Ala1164Val)

Gene: STAG2 (STAG2 cohesin complex component; plus strand). Cytogenetic location: Xq25.
Variant type: single nucleotide variant.
Coding change: c.3491C>T on transcript NM_001042750.2 (MANE Select); coding-DNA position 3491, C replaced by T.
Protein change: p.Ala1164Val; replaces alanine 1164 with valine.
Molecular consequence: missense variant. On other transcripts: intron variant (15).
Genome position (GRCh38, 1-based): chrX:124,090,877, C>T. VCF-style: chrX-124090877-C-T. GRCh37 (hg19) VCF-style: chrX-123224727-C-T.
Other names: c.3491C>T, p.Ala1164Val (NM_001042749.2, NM_001375366.1, NM_001375367.1 and 8 more transcripts); c.3467+113C>T (NM_001441077.1, NM_001375373.1, NM_001441078.1 and 12 more transcripts); short protein forms A1164V.
Identifiers: ClinVar variation 4975360 (VCV004975360.1).
Genomic context (GRCh38, chrX:124,090,877, plus strand): 5'-AAGTTAAGTTAAAAGAGGAATAAAATTCTCCTTGAAGCACGCAGGTAACATGGATGTTAG[C>T]TCAAAGACAACAAGAGGAAGCAAGGCAACAGCAGGAGAGAGCAGCAATGAGCTATGTTAA-3'
Protein context (NP_001036215.1, residues 1154-1174): DYNTQVTWML[Ala1164Val]QRQQEEARQQ

ClinVar aggregate classification (germline): Uncertain significance (1 of 4 stars; one submission).

Submission:

GeneDx
Classification: Uncertain significance. Last evaluated: 2026-01-26. Review status: criteria provided, single submitter. Criteria: GeneDx Variant Classification Process June 2021. Collection method: clinical testing. Allele origin: germline.
Comment: Not observed at significant frequency in large population cohorts (gnomAD); In silico analysis suggests that this missense variant does not alter protein structure/function; Has not been previously published as pathogenic or benign to our knowledge